The following is an entry in ClinVar:

ClinVar aggregate classification (germline): Pathogenic (1 of 4 stars; one submission).

Conditions:
Cohen syndrome (COH1). Also called: PEPPER SYNDROME; Cutis verticis gyrata, retinitis pigmentosa, and sensorineural deafness. Identifiers: Orphanet 193, MedGen C0265223, MONDO:0008999, OMIM 216550.

Submission:

Labcorp Genetics (formerly Invitae), Labcorp
Classification: Pathogenic for Cohen syndrome. Last evaluated: 2020-03-29. Review status: criteria provided, single submitter. Criteria: Invitae Variant Classification Sherloc (09022015). Collection method: clinical testing. Allele origin: germline.
Comment: For these reasons, this variant has been classified as Pathogenic. Loss-of-function variants in VPS13B are known to be pathogenic (PMID: 15141358, 16648375, 20461111). This variant has not been reported in the literature in individuals with VPS13B-related conditions. This variant is not present in population databases (ExAC no frequency). This sequence change creates a premature translational stop signal (p.Gln783Aspfs*5) in the VPS13B gene. It is expected to result in an absent or disrupted protein product.

Literature cited by the submitters: PubMed 15141358; PubMed 16648375; PubMed 20461111.

NM_152564.5(VPS13B):c.2347_2348del (p.Gln783fs)

Gene: VPS13B (vacuolar protein sorting 13 homolog B; plus strand). Cytogenetic location: 8q22.2.
Variant type: Deletion.
Coding change: c.2347_2348del on transcript NM_152564.5 (MANE Select); coding-DNA positions 2347 to 2348, 2 bases deleted (CA; older notation c.2347_2348delCA).
Protein change: p.Gln783fs; shifts the reading frame from glutamine 783.
Molecular consequence: frameshift variant.
Genome position (GRCh38, 1-based): chr8:99,192,889-99,192,890, CA deleted. VCF-style (leftmost placement, unchanged base first): chr8-99192888-TCA-T. GRCh37 (hg19) VCF-style: chr8-100205116-TCA-T.
Other names: c.2347_2348del, p.Gln783fs (NM_015243.3, NM_017890.5); short protein forms Q783fs.
Identifiers: ClinVar variation 862275 (VCV000862275.7), dbSNP rs1813682416, ClinGen allele CA916081508.